The following is an entry in ClinVar:

NM_021951.3(DMRT1):c.244C>T (p.His82Tyr)

Gene: DMRT1 (doublesex and mab-3 related transcription factor 1; plus strand). Cytogenetic location: 9p24.3.
Variant type: single nucleotide variant.
Coding change: c.244C>T on transcript NM_021951.3 (MANE Select); coding-DNA position 244, C replaced by T.
Protein change: p.His82Tyr; replaces histidine 82 with tyrosine.
Molecular consequence: missense variant.
Genome position (GRCh38, 1-based): chr9:842,082, C>T. VCF-style: chr9-842082-C-T. GRCh37 (hg19) VCF-style: chr9-842082-C-T.
Other names: short protein forms H82Y.
Identifiers: ClinVar variation 2752460 (VCV002752460.3), dbSNP rs2540997523, ClinGen allele CA372774394.

ClinVar aggregate classification (germline): Uncertain significance (1 of 4 stars; one submission).

Submission:

Labcorp Genetics (formerly Invitae), Labcorp
Classification: Uncertain significance. Last evaluated: 2023-09-06. Review status: criteria provided, single submitter. Criteria: Invitae Variant Classification Sherloc (09022015). Collection method: clinical testing. Allele origin: germline.
Comment: In summary, the available evidence is currently insufficient to determine the role of this variant in disease. Therefore, it has been classified as a Variant of Uncertain Significance. Advanced modeling of protein sequence and biophysical properties (such as structural, functional, and spatial information, amino acid conservation, physicochemical variation, residue mobility, and thermodynamic stability) performed at Invitae indicates that this missense variant is expected to disrupt DMRT1 protein function. This variant has not been reported in the literature in individuals affected with DMRT1-related conditions. This variant is not present in population databases (gnomAD no frequency). This sequence change replaces histidine, which is basic and polar, with tyrosine, which is neutral and polar, at codon 82 of the DMRT1 protein (p.His82Tyr).